The following is an entry in ClinVar:

NM_007118.4(TRIO):c.8511C>T (p.Val2837=)

Gene: TRIO (trio Rho guanine nucleotide exchange factor; plus strand). Cytogenetic location: 5p15.2.
Variant type: single nucleotide variant.
Coding change: c.8511C>T on transcript NM_007118.4 (MANE Select); coding-DNA position 8511, C replaced by T.
Protein change: p.Val2837=; no amino-acid change (valine 2837 retained).
Molecular consequence: synonymous variant. On other transcripts: non-coding transcript variant (1).
Genome position (GRCh38, 1-based): chr5:14,504,492, C>T. VCF-style: chr5-14504492-C-T. GRCh37 (hg19) VCF-style: chr5-14504601-C-T.
Identifiers: ClinVar variation 3771478 (VCV003771478.13).

ClinVar aggregate classification (germline): Likely benign (1 of 4 stars; one submission).

gnomAD v4.1: 18 of 1,614,058 alleles (0.0011%); highest among the groups gnomAD compares: Admixed American, 0.012%; no homozygotes.

Submission:

CeGaT Center for Human Genetics Tuebingen
Classification: Likely benign. Last evaluated: 2025-10-01. Review status: criteria provided, single submitter. Criteria: CeGaT Center For Human Genetics Tuebingen Variant Classification Criteria Version 2. Collection method: clinical testing. Allele origin: germline. Affected: yes. Observed: 2 variant alleles.
Comment: TRIO: BP4, BP7